The following is an entry in ClinVar:

NM_000539.3(RHO):c.121G>A (p.Ala41Thr)

Gene: RHO (rhodopsin; plus strand). Cytogenetic location: 3q22.1.
Variant type: single nucleotide variant.
Coding change: c.121G>A on transcript NM_000539.3 (MANE Select); coding-DNA position 121, G replaced by A.
Protein change: p.Ala41Thr; replaces alanine 41 with threonine.
Molecular consequence: missense variant.
Genome position (GRCh38, 1-based): chr3:129,528,854, G>A. VCF-style: chr3-129528854-G-A. GRCh37 (hg19) VCF-style: chr3-129247697-G-A.
Other names: short protein forms A41T.
Identifiers: ClinVar variation 2883612 (VCV002883612.3), dbSNP rs927794488, ClinGen allele CA82646751.

ClinVar aggregate classification (germline): Uncertain significance (1 of 4 stars; one submission).

Allele frequency attached by ClinVar (database versions not stated): TOPMed below 0.00001; gnomAD 0.00001; gnomAD exomes 0.00002.

Submission:

Labcorp Genetics (formerly Invitae), Labcorp
Classification: Uncertain significance. Last evaluated: 2026-01-26. Review status: criteria provided, single submitter. Criteria: Invitae Variant Classification Sherloc (09022015). Collection method: clinical testing. Allele origin: germline.
Comment: This sequence change replaces alanine, which is neutral and non-polar, with threonine, which is neutral and polar, at codon 41 of the RHO protein (p.Ala41Thr). This variant is not present in population databases (gnomAD no frequency). This variant has not been reported in the literature in individuals affected with RHO-related conditions. ClinVar contains an entry for this variant (Variation ID: 2883612). Invitae Evidence Modeling of protein sequence and biophysical properties (such as structural, functional, and spatial information, amino acid conservation, physicochemical variation, residue mobility, and thermodynamic stability) has been performed for this missense variant. However, the output from this modeling did not meet the statistical confidence thresholds required to predict the impact of this variant on RHO protein function. In summary, the available evidence is currently insufficient to determine the role of this variant in disease. Therefore, it has been classified as a Variant of Uncertain Significance.